The following is an entry in ClinVar:

ClinVar aggregate classification (germline): Uncertain significance (1 of 4 stars; one submission).

Conditions:
Inborn genetic diseases. Identifiers: MedGen C0950123, MeSH D030342.

Submission:

Ambry Genetics
Classification: Uncertain significance for Inborn genetic diseases. Last evaluated: 2026-01-13. Review status: criteria provided, single submitter. Criteria: Ambry Variant Classification Scheme 2023. Collection method: clinical testing. Allele origin: germline.
Comment: The p.A656S variant (also known as c.1966G>T), located in coding exon 22 of the FANCA gene, results from a G to T substitution at nucleotide position 1966. The alanine at codon 656 is replaced by serine, an amino acid with similar properties. This amino acid position is conserved. In addition, this alteration is predicted to be tolerated by in silico analysis. Based on the available evidence, the clinical significance of this variant remains unclear.

NM_000135.4(FANCA):c.1966G>T (p.Ala656Ser)

Gene: FANCA (FA complementation group A; minus strand). Cytogenetic location: 16q24.3.
Variant type: single nucleotide variant.
Coding change: c.1966G>T on transcript NM_000135.4 (MANE Select); coding-DNA position 1966, G replaced by T.
Protein change: p.Ala656Ser; replaces alanine 656 with serine.
Molecular consequence: missense variant.
Genome position (GRCh38, 1-based): chr16:89,773,319, C>A on the plus strand (G>T on the coding strand, the complement: FANCA is on the minus strand). VCF-style: chr16-89773319-C-A. GRCh37 (hg19) VCF-style: chr16-89839727-C-A.
Other names: c.1966G>T, p.Ala656Ser (NM_001286167.3); short protein forms A656S.
Identifiers: ClinVar variation 4843042 (VCV004843042.1).